The following is an entry in ClinVar:

NM_133642.5(LARGE1):c.421G>A (p.Ala141Thr)

Gene: LARGE1 (LARGE xylosyl- and glucuronyltransferase 1; minus strand). Cytogenetic location: 22q12.3.
Variant type: single nucleotide variant.
Coding change: c.421G>A on transcript NM_133642.5 (MANE Select); coding-DNA position 421, G replaced by A.
Protein change: p.Ala141Thr; replaces alanine 141 with threonine.
Molecular consequence: missense variant.
Genome position (GRCh38, 1-based): chr22:33,626,314, C>T on the plus strand (G>A on the coding strand, the complement: LARGE1 is on the minus strand). VCF-style: chr22-33626314-C-T. GRCh37 (hg19) VCF-style: chr22-34022298-C-T.
Other names: c.421G>A, p.Ala141Thr (NM_001362949.2, NM_001362951.2, NM_001362953.2 and 7 more transcripts); short protein forms A141T.
Identifiers: ClinVar variation 1970218 (VCV001970218.4), dbSNP rs2518915308, ClinGen allele CA411547065.

ClinVar aggregate classification (germline): Uncertain significance (1 of 4 stars; one submission).

Conditions:
Muscular dystrophy-dystroglycanopathy type B6 (MDDGB6). Also called: MUSCULAR DYSTROPHY-DYSTROGLYCANOPATHY (CONGENITAL WITH IMPAIRED INTELLECTUAL DEVELOPMENT), TYPE B, 6; MUSCULAR DYSTROPHY, CONGENITAL, LARGE-RELATED; MUSCULAR DYSTROPHY, CONGENITAL, TYPE 1D. Identifiers: MedGen C1837229, MONDO:0012138, OMIM 608840.

Allele frequency attached by ClinVar (database versions not stated): gnomAD exomes below 0.00001.
gnomAD v4.1: 2 of 1,613,828 alleles (0.00012%); highest among the groups gnomAD compares: Middle Eastern, 0.017%; no homozygotes.

Submission:

Labcorp Genetics (formerly Invitae), Labcorp
Classification: Uncertain significance for Muscular dystrophy-dystroglycanopathy type B6. Last evaluated: 2022-03-27. Review status: criteria provided, single submitter. Criteria: Invitae Variant Classification Sherloc (09022015). Collection method: clinical testing. Allele origin: germline.
Comment: This sequence change replaces alanine, which is neutral and non-polar, with threonine, which is neutral and polar, at codon 141 of the LARGE1 protein (p.Ala141Thr). This variant is not present in population databases (gnomAD no frequency). This variant has not been reported in the literature in individuals affected with LARGE1-related conditions. Algorithms developed to predict the effect of missense changes on protein structure and function are either unavailable or do not agree on the potential impact of this missense change (SIFT: "Deleterious"; PolyPhen-2: "Probably Damaging"; Align-GVGD: "Class C0"). In summary, the available evidence is currently insufficient to determine the role of this variant in disease. Therefore, it has been classified as a Variant of Uncertain Significance.